The following is an entry in ClinVar:

ClinVar aggregate classification (germline): Pathogenic. Review status: criteria provided, multiple submitters, no conflicts (2 of 4 stars). 10 submissions from 10 submitters: Pathogenic (8). 2 of the submissions do not count toward it. Last evaluated 2025-11-21.

Conditions:
Meckel-Gruber syndrome. Also called: GRUBER SYNDROME; DYSENCEPHALIA SPLANCHNOCYSTICA; Dysencephalia splachnocystica. Identifiers: Orphanet 564, MedGen C0265215, MONDO:0018921.
Nephronophthisis. Also called: Juvenile Nephronophthisis. Identifiers: Orphanet 655, MedGen C0687120, MONDO:0019005, HP:0000090.
Joubert syndrome. Also called: JOUBERT-BOLTSHAUSER SYNDROME; Familial aplasia of the vermis. Identifiers: Orphanet 475, MedGen C5979921, MONDO:0018772.
Leber congenital amaurosis 10 (LCA10). Identifiers: Orphanet 65, MedGen C1857821, MONDO:0012723, OMIM 611755.
Meckel syndrome, type 4 (MKS4). Also called: MECKEL-GRUBER SYNDROME, TYPE 4. Identifiers: Orphanet 564, MedGen C1970161, MONDO:0012626, OMIM 611134.
Senior-Loken syndrome 6 (SLSN6). Identifiers: Orphanet 3156, MedGen C1857779, MONDO:0012433, OMIM 610189.
Joubert syndrome 5 (JBTS5). Identifiers: Orphanet 2318, MedGen C1857780, MONDO:0012432, OMIM 610188.
Bardet-Biedl syndrome 14 (BBS14). Identifiers: Orphanet 110, MedGen C2673874, MONDO:0014442, OMIM 615991.
Night blindness. Also called: Nyctalopia. Identifiers: MedGen C0028077, MONDO:0004588, HP:0000662.
Leber congenital amaurosis (LCA). Also called: Leber's amaurosis. Identifiers: Orphanet 65, MedGen C0339527, MeSH D057130, MONDO:0018998.
CEP290-related disorder. Also called: CEP290-related condition; CEP290-related disorders. Identifiers: MedGen CN239314.
CEP290-related ciliopathy. Also called: CEP290 ciliopathy. Identifiers: MedGen CN305601, MONDO:0100451.

Allele frequency attached by ClinVar (database versions not stated): gnomAD exomes below 0.00001 and 0.00001; gnomAD 0.00001; TOPMed 0.00002.
gnomAD v4.1: 21 of 1,613,240 alleles (0.0013%); highest among the groups gnomAD compares: Non-Finnish European, 0.0016%; no homozygotes.

Submissions (10):

Natera, Inc.
Classification: Pathogenic for Leber congenital amaurosis. Last evaluated: 2025-11-21. Review status: criteria provided, single submitter. Criteria: Natera Variant Classification Schema (03/2026). Collection method: clinical testing. Allele origin: germline.
Comment: The c.322C>T variant in CEP290 is a nonsense variant predicted to introduce a stop codon at amino acid 108. This variant is expected to result in nonsense mediated decay, truncation, or a dysfunctional protein product. This variant is rare in the general population with a frequency below the threshold expected for the associated phenotype(s). This variant has been observed in one or more individuals affected with the associated recessive disease, as either homozygous or compound heterozygous with a second variant (PMID: 20683928, 32165824, 31630094). Given the available evidence, this variant is classified as Pathogenic.

Myriad Genetics, Inc.
Classification: Pathogenic for CEP290-related ciliopathy. Last evaluated: 2025-02-05. Review status: criteria provided, single submitter. Criteria: Myriad Autosomal Dominant, Autosomal Recessive and X-Linked Classification Criteria (2023). Collection method: clinical testing. Allele origin: unknown.
Comment: NM_025114.3(CEP290):c.322C>T(R108*) is a nonsense variant classified as pathogenic in the context of CEP290-related disorders. R108* has been observed in cases with relevant disease (PMID: 32165824, 38662103). Relevant functional assessments of this variant are not available in the literature. R108* has been observed in referenced population frequency databases. In summary, NM_025114.3(CEP290):c.322C>T(R108*) is a nonsense variant in a gene where loss of function is a known mechanism of disease, is predicted to disrupt protein function, and has been observed more frequently in cases with the relevant disease than in healthy populations. Please note: this variant was assessed in the context of healthy population screening.

Labcorp Genetics (formerly Invitae), Labcorp
Classification: Pathogenic for Joubert syndrome; Meckel-Gruber syndrome; Nephronophthisis. Last evaluated: 2024-12-24. Review status: criteria provided, single submitter. Criteria: Invitae Variant Classification Sherloc (09022015). Collection method: clinical testing. Allele origin: germline.
Comment: This sequence change creates a premature translational stop signal (p.Arg108*) in the CEP290 gene. It is expected to result in an absent or disrupted protein product. Loss-of-function variants in CEP290 are known to be pathogenic (PMID: 16909394, 17345604, 20690115). The frequency data for this variant in the population databases is considered unreliable, as metrics indicate poor data quality at this position in the gnomAD database. This premature translational stop signal has been observed in individual(s) with Leber congenital amaurosis (PMID: 20683928). ClinVar contains an entry for this variant (Variation ID: 654881). Algorithms developed to predict the effect of sequence changes on RNA splicing suggest that this variant may disrupt the consensus splice site. For these reasons, this variant has been classified as Pathogenic.

Fulgent Genetics
Classification: Pathogenic for Joubert syndrome 5; Senior-Loken syndrome 6; Meckel syndrome, type 4; Leber congenital amaurosis 10; Bardet-Biedl syndrome 14. Last evaluated: 2024-06-10. Review status: criteria provided, single submitter. Criteria: ACMG Guidelines, 2015. Collection method: clinical testing. Allele origin: germline.

Baylor Genetics
Classification: Pathogenic for Bardet-Biedl syndrome 14. Last evaluated: 2024-01-25. Review status: criteria provided, single submitter. Criteria: ACMG Guidelines, 2015. Collection method: clinical testing. Allele origin: unknown.

Blueprint Genetics
Classification: Pathogenic for CEP290-related disorders. Last evaluated: 2023-03-02. Review status: criteria provided, single submitter. Criteria: ACMG Guidelines, 2015. Collection method: clinical testing. Allele origin: germline. Affected: yes. Observed: 3 variant alleles.

MGZ Medical Genetics Center
Classification: Pathogenic for Leber congenital amaurosis 10. Last evaluated: 2022-05-20. Review status: criteria provided, single submitter. Criteria: ACMG Guidelines, 2015. Collection method: clinical testing. Allele origin: germline. Affected: yes. Observed: 1 variant allele.
Comment: ACMG criteria applied: PVS1, PS4_MOD, PM2_SUP

Kariminejad - Najmabadi Pathology & Genetics Center
Classification: Pathogenic for Night blindness. Last evaluated: 2018-03-15. Review status: criteria provided, single submitter. Criteria: ACMG Guidelines, 2015. Collection method: clinical testing. Allele origin: germline. Affected: yes.

PreventionGenetics, part of Exact Sciences
Classification: Pathogenic for CEP290-related condition. Last evaluated: 2024-09-04. Review status: no assertion criteria provided. Collection method: clinical testing. Allele origin: germline. Not counted in ClinVar's aggregate classification.
Comment: The CEP290 c.322C>T variant is predicted to result in premature protein termination (p.Arg108*). This variant has been identified in the compound heterozygous state with a second pathogenic variant in two patients with Leber congenital amaurosis (Table 1 in Coppieters et al. 2010. PubMed ID: 20683928; Appendix 5 in Surl et al. 2020. PubMed ID: 32165824). This variant is reported in 0.00089% of alleles in individuals of European (Non-Finnish) descent in gnomAD. Nonsense variants in CEP290 are expected to be pathogenic. This variant is interpreted as pathogenic.

Genomics England Pilot Project, Genomics England
Classification: Likely pathogenic for Bardet-Biedl syndrome 14. Review status: no assertion criteria provided. Criteria: ACGS Guidelines, 2016. Collection method: clinical testing. Allele origin: germline. Affected: yes. Not counted in ClinVar's aggregate classification.

Literature cited by the submitters: PubMed 20683928 (cited by Natera, Inc. and Labcorp Genetics (formerly Invitae), Labcorp); PubMed 32165824 (cited by Natera, Inc. and Myriad Genetics, Inc.); PubMed 31630094 (cited by Natera, Inc.); PubMed 38662103 (cited by Myriad Genetics, Inc.); PubMed 16909394 (cited by Labcorp Genetics (formerly Invitae), Labcorp); PubMed 17345604 (cited by Labcorp Genetics (formerly Invitae), Labcorp); PubMed 20690115 (cited by Labcorp Genetics (formerly Invitae), Labcorp).

NM_025114.4(CEP290):c.322C>T (p.Arg108Ter)

Gene: CEP290 (centrosomal protein 290; minus strand). Cytogenetic location: 12q21.32.
Variant type: single nucleotide variant.
Coding change: c.322C>T on transcript NM_025114.4 (MANE Select); coding-DNA position 322, C replaced by T.
Protein change: p.Arg108Ter; replaces arginine 108 with a stop codon.
Molecular consequence: nonsense.
Genome position (GRCh38, 1-based): chr12:88,136,762, G>A on the plus strand (C>T on the coding strand, the complement: CEP290 is on the minus strand). VCF-style: chr12-88136762-G-A. GRCh37 (hg19) VCF-style: chr12-88530539-G-A.
Other names: short protein forms R108*.
Identifiers: ClinVar variation 654881 (VCV000654881.24), dbSNP rs1290241933, ClinGen allele CA385987715.
Genomic context (GRCh38, chr12:88,136,762, plus strand): 5'-CTTTTTGTTCTAATTGTTTTTCAAGTTGGCAAATTTCATTACGTAAAAACCGAGTATCTC[G>A]TCCACCTGCAGACTGCTGAGCCATCTTAAAGTAATAAACCCAAAGTATAAATTAATCCCA-3'